The following is an entry in ClinVar:

ClinVar aggregate classification (germline): Likely pathogenic (1 of 4 stars; one submission).

Conditions:
Dilated cardiomyopathy 1G (CMD1G). Identifiers: Orphanet 154, MedGen C1858763, MONDO:0011400, OMIM 604145.
Autosomal recessive limb-girdle muscular dystrophy type 2J (LGMDR10). Also called: Limb-girdle muscular dystrophy, type 2J; MUSCULAR DYSTROPHY, LIMB-GIRDLE, AUTOSOMAL RECESSIVE 10. Identifiers: Orphanet 140922, MedGen C1837342, MONDO:0012127, OMIM 608807.

Submission:

Labcorp Genetics (formerly Invitae), Labcorp
Classification: Likely pathogenic for Dilated cardiomyopathy 1G; Autosomal recessive limb-girdle muscular dystrophy type 2J. Last evaluated: 2024-01-20. Review status: criteria provided, single submitter. Criteria: Invitae Variant Classification Sherloc (09022015). Collection method: clinical testing. Allele origin: germline.
Comment: This sequence change creates a premature translational stop signal (p.Val28336Serfs*2) in the TTN gene. While this is not anticipated to result in nonsense mediated decay, it is expected to create a truncated TTN protein. This variant is not present in population databases (gnomAD no frequency). This variant has not been reported in the literature in individuals affected with TTN-related conditions. This variant is located in the A band of TTN (PMID: 25589632). Truncating variants in this region are significantly overrepresented in patients affected with dilated cardiomyopathy (PMID: 25589632). Truncating variants in this region have also been reported in individuals affected with autosomal recessive centronuclear myopathy (PMID: 23975875). In summary, the currently available evidence indicates that the variant is pathogenic, but additional data are needed to prove that conclusively. Therefore, this variant has been classified as Likely Pathogenic.

Literature cited by the submitters: PubMed 25589632; PubMed 23975875.

NM_001267550.2(TTN):c.85005dup (p.Val28336fs)

Genes: TTN-AS1 (TTN antisense RNA 1; plus strand), TTN (titin; minus strand). Cytogenetic location: 2q31.2.
Variant type: Duplication.
Coding change: c.85005dup on transcript NM_001267550.2 (MANE Select); coding-DNA position 85005, one base duplicated (A; older notation c.85005dupA).
Protein change: p.Val28336fs; shifts the reading frame from valine 28336.
Molecular consequence: frameshift variant.
Genome position (GRCh38, 1-based): chr2:178,561,127, T duplicated on the plus strand (A on the coding strand, the reverse complement: TTN is on the minus strand). VCF-style (leftmost placement, unchanged base first): chr2-178561126-C-CT. GRCh37 (hg19) VCF-style: chr2-179425853-C-CT.
Other names: c.80082dup, p.Val26695fs (NM_001256850.1); c.57810dup, p.Val19271fs (NM_003319.4); c.77301dup, p.Val25768fs (NM_133378.4); c.58185dup, p.Val19396fs (NM_133432.3); c.58386dup, p.Val19463fs (NM_133437.4); short protein forms V25768fs, V19271fs, V19396fs, V28336fs, V19463fs, V26695fs.
Identifiers: ClinVar variation 2922320 (VCV002922320.3), dbSNP rs2469682711, ClinGen allele CA2740095905.